The following is an entry in ClinVar:

ClinVar aggregate classification (germline): Uncertain significance. Review status: criteria provided, multiple submitters, no conflicts (2 of 4 stars). 2 submissions from 2 submitters: Uncertain significance (2). Last evaluated 2022-09-16.

Conditions:
Trichothiodystrophy 1, photosensitive (TTD1). Also called: TAY SYNDROME; TRICHOTHIODYSTROPHY WITH CONGENITAL ICHTHYOSIS; PIBIDS SYNDROME. Identifiers: Orphanet 33364, MedGen C1866504, MONDO:0011125, OMIM 601675.

Allele frequency attached by ClinVar (database versions not stated): gnomAD exomes 0.00003 and 0.00004; TOPMed 0.00008; ExAC 0.00003; gnomAD 0.00005 and 0.00006.
gnomAD v4.1: 57 of 1,613,920 alleles (0.0035%); highest among the groups gnomAD compares: Admixed American, 0.0067%; no homozygotes.

Submissions (2):

Labcorp Genetics (formerly Invitae), Labcorp
Classification: Uncertain significance. Last evaluated: 2022-09-16. Review status: criteria provided, single submitter. Criteria: Invitae Variant Classification Sherloc (09022015). Collection method: clinical testing. Allele origin: germline.
Comment: This sequence change replaces histidine, which is basic and polar, with arginine, which is basic and polar, at codon 164 of the ERCC2 protein (p.His164Arg). This variant is present in population databases (rs769656890, gnomAD 0.009%). This variant has not been reported in the literature in individuals affected with ERCC2-related conditions. ClinVar contains an entry for this variant (Variation ID: 1327079). Advanced modeling of protein sequence and biophysical properties (such as structural, functional, and spatial information, amino acid conservation, physicochemical variation, residue mobility, and thermodynamic stability) performed at Invitae indicates that this missense variant is not expected to disrupt ERCC2 protein function. In summary, the available evidence is currently insufficient to determine the role of this variant in disease. Therefore, it has been classified as a Variant of Uncertain Significance.

Baylor Genetics
Classification: Uncertain significance for Trichothiodystrophy 1, photosensitive. Last evaluated: 2021-11-26. Review status: criteria provided, single submitter. Criteria: ACMG Guidelines, 2015. Collection method: clinical testing. Allele origin: unknown. Affected: yes. Study: CSER-TexasKidsCanSeq.
Comment: This variant was determined to be of uncertain significance according to ACMG Guidelines, 2015 [PMID:25741868].

NM_000400.4(ERCC2):c.491A>G (p.His164Arg)

Gene: ERCC2 (ERCC excision repair 2, TFIIH core complex helicase subunit; minus strand). Cytogenetic location: 19q13.32.
Variant type: single nucleotide variant.
Coding change: c.491A>G on transcript NM_000400.4 (MANE Select); coding-DNA position 491, A replaced by G.
Protein change: p.His164Arg; replaces histidine 164 with arginine.
Molecular consequence: missense variant.
Genome position (GRCh38, 1-based): chr19:45,364,941, T>C on the plus strand (A>G on the coding strand, the complement: ERCC2 is on the minus strand). VCF-style: chr19-45364941-T-C. GRCh37 (hg19) VCF-style: chr19-45868199-T-C.
Other names: c.419A>G, p.His140Arg (NM_001130867.2); short protein forms H140R, H164R.
Identifiers: ClinVar variation 1327079 (VCV001327079.3), dbSNP rs769656890, ClinGen allele CA9513762.